The following is an entry in ClinVar:

ClinVar aggregate classification (germline): Uncertain significance (1 of 4 stars; one submission).

Conditions:
Hereditary spastic paraplegia 11. Also called: Spastic Paraplegia 11; Nakamura Osame syndrome; Autosomal recessive hereditary spastic paraplegia, mental impairment, and thin corpus callosum; Spastic paraplegia, mental retardation and thin corpus callosum; SPASTIC PARAPLEGIA, AUTOSOMAL RECESSIVE, COMPLICATED, WITH THIN CORPUS CALLOSUM; SPASTIC PARAPLEGIA, AUTOSOMAL RECESSIVE, WITH MENTAL IMPAIRMENT AND THIN CORPUS CALLOSUM. Identifiers: Orphanet 2822, MedGen C1858479, MONDO:0011445, OMIM 604360.

Allele frequency attached by ClinVar (database versions not stated): gnomAD exomes below 0.00001; ExAC 0.00001.

Submission:

Labcorp Genetics (formerly Invitae), Labcorp
Classification: Uncertain significance for Hereditary spastic paraplegia 11. Last evaluated: 2020-03-18. Review status: criteria provided, single submitter. Criteria: Invitae Variant Classification Sherloc (09022015). Collection method: clinical testing. Allele origin: germline.
Comment: This sequence change replaces leucine with serine at codon 1846 of the SPG11 protein (p.Leu1846Ser). The leucine residue is highly conserved and there is a large physicochemical difference between leucine and serine. This variant is present in population databases (rs760831525, ExAC 0.006%). This variant has not been reported in the literature in individuals with SPG11-related conditions. Algorithms developed to predict the effect of missense changes on protein structure and function are either unavailable or do not agree on the potential impact of this missense change (SIFT: "Deleterious"; PolyPhen-2: "Benign"; Align-GVGD: "Class C15"). In summary, the available evidence is currently insufficient to determine the role of this variant in disease. Therefore, it has been classified as a Variant of Uncertain Significance.

NM_025137.4(SPG11):c.5537T>C (p.Leu1846Ser)

Gene: SPG11 (SPG11 vesicle trafficking associated, spatacsin; minus strand). Cytogenetic location: 15q21.1.
Variant type: single nucleotide variant.
Coding change: c.5537T>C on transcript NM_025137.4 (MANE Select); coding-DNA position 5537, T replaced by C.
Protein change: p.Leu1846Ser; replaces leucine 1846 with serine.
Molecular consequence: missense variant.
Genome position (GRCh38, 1-based): chr15:44,584,143, A>G on the plus strand (T>C on the coding strand, the complement: SPG11 is on the minus strand). VCF-style: chr15-44584143-A-G. GRCh37 (hg19) VCF-style: chr15-44876341-A-G.
Other names: c.5537T>C, p.Leu1846Ser (NM_001160227.2); short protein forms L1846S.
Identifiers: ClinVar variation 942933 (VCV000942933.8), dbSNP rs760831525, ClinGen allele CA7534393.
Genomic context (GRCh38, chr15:44,584,143, plus strand): 5'-CATGTCTCTTTGGATGGAAGGCTGTTAAGTTCTAAGTATTTTGATGTGTTCAGAGCAGCC[A>G]ACTTGGAGAAGGAAAACTCACTGGCTAAACTATCAAAGGAAAGTTCACCACTAGTTGAGA-3'
Protein context (NP_079413.3, residues 1836-1856): SLASEFSFSK[Leu1846Ser]AALNTSKYLE